The following is an entry in ClinVar:

NM_000059.4(BRCA2):c.9710G>T (p.Arg3237Met)

Gene: BRCA2 (BRCA2 DNA repair associated; plus strand). Cytogenetic location: 13q13.1.
Variant type: single nucleotide variant.
Coding change: c.9710G>T on transcript NM_000059.4 (MANE Select); coding-DNA position 9710, G replaced by T.
Protein change: p.Arg3237Met; replaces arginine 3237 with methionine.
Molecular consequence: missense variant. On other transcripts: non-coding transcript variant (1).
Genome position (GRCh38, 1-based): chr13:32,398,223, G>T. VCF-style: chr13-32398223-G-T. GRCh37 (hg19) VCF-style: chr13-32972360-G-T.
Other names: c.9614G>T, p.Arg3205Met (NM_001406719.1); c.9659G>T, p.Arg3220Met (NM_001406720.1); c.4778G>T, p.Arg1593Met (NM_001406721.1); c.3293G>T, p.Arg1098Met (NM_001406722.1); c.9710G>T, p.Arg3237Met (NM_001432077.1); short protein forms R1098M, R3237M, R3220M, R1593M, R3205M.
Identifiers: ClinVar variation 3482215 (VCV003482215.2).

ClinVar aggregate classification (germline): Uncertain significance. Review status: criteria provided, multiple submitters, no conflicts (2 of 4 stars). 2 submissions from 2 submitters: Uncertain significance (2). Last evaluated 2025-08-28.

Conditions:
Hereditary cancer-predisposing syndrome. Also called: Tumor predisposition; Neoplastic Syndromes, Hereditary; Hereditary Cancer Syndrome; Hereditary neoplastic syndrome. Identifiers: Orphanet 140162, MedGen C0027672, MeSH D009386, MONDO:0015356.

Submissions (2):

Color Diagnostics, LLC DBA Color Health
Classification: Uncertain significance for Hereditary cancer-predisposing syndrome. Last evaluated: 2025-08-28. Review status: criteria provided, single submitter. Criteria: ACMG Guidelines, 2015. Collection method: clinical testing. Allele origin: germline.
Comment: This missense variant replaces arginine with methionine at codon 3237 of the BRCA2 protein. Computational prediction suggests that this variant may not impact protein structure and function. To our knowledge, functional studies have not been reported for this variant. This variant has not been reported in individuals affected with BRCA2-related disorders in the literature. This variant has not been identified in the general population by the Genome Aggregation Database (gnomAD). The available evidence is insufficient to determine the role of this variant in disease conclusively. Therefore, this variant is classified as a Variant of Uncertain Significance.

Ambry Genetics
Classification: Uncertain significance for Hereditary cancer-predisposing syndrome. Last evaluated: 2024-12-06. Review status: criteria provided, single submitter. Criteria: Ambry Variant Classification Scheme 2023. Collection method: clinical testing. Allele origin: germline.
Comment: The p.R3237M variant (also known as c.9710G>T), located in coding exon 26 of the BRCA2 gene, results from a G to T substitution at nucleotide position 9710. The arginine at codon 3237 is replaced by methionine, an amino acid with similar properties. This amino acid position is conserved. In addition, this alteration is predicted to be tolerated by in silico analysis. Based on the available evidence, the clinical significance of this variant remains unclear.